The following is an entry in ClinVar:

ClinVar aggregate classification (germline): Likely benign (1 of 4 stars; one submission).

Conditions:
ABCB4-related disorder. Also called: ABCB4-related disorders; ABCB4-related condition.

Submission:

PreventionGenetics, part of Exact Sciences
Classification: Likely benign for ABCB4-related condition. Last evaluated: 2024-11-12. Review status: criteria provided, single submitter. Criteria: ACMG Guidelines, 2015. Collection method: clinical testing. Allele origin: germline.
Comment: This variant is classified as likely benign based on ACMG/AMP sequence variant interpretation guidelines (Richards et al. 2015 PMID: 25741868, with internal and published modifications).

NM_000443.4(ABCB4):c.2958T>C (p.Ala986=)

Gene: ABCB4 (ATP binding cassette subfamily B member 4; minus strand). Cytogenetic location: 7q21.12.
Variant type: single nucleotide variant.
Coding change: c.2958T>C on transcript NM_000443.4 (MANE Select); coding-DNA position 2958, T replaced by C.
Protein change: p.Ala986=; no amino-acid change (alanine 986 retained).
Molecular consequence: synonymous variant.
Genome position (GRCh38, 1-based): chr7:87,409,359, A>G on the plus strand (T>C on the coding strand, the complement: ABCB4 is on the minus strand). VCF-style: chr7-87409359-A-G. GRCh37 (hg19) VCF-style: chr7-87038675-A-G.
Other names: c.2958T>C, p.Ala986= (NM_018849.3); c.2817T>C, p.Ala939= (NM_018850.3).
Identifiers: ClinVar variation 4999115 (VCV004999115.1).